The following is an entry in ClinVar:

ClinVar aggregate classification (germline): Benign. Review status: criteria provided, multiple submitters, no conflicts (2 of 4 stars). 2 submissions from 2 submitters: Benign (2). Last evaluated 2018-01-13.

Conditions:
Netherton syndrome (NETH). Also called: NETHERTON DISEASE; ERYTHRODERMA, ICHTHYOSIFORM, WITH HYPOTRICHOSIS AND HYPER-IgE; COMEL-NETHERTON SYNDROME. Identifiers: Orphanet 634, MedGen C5574950, MONDO:0009735, OMIM 256500.

Allele frequency attached by ClinVar (database versions not stated): gnomAD exomes 0.00346; ESP Exome Variant Server 0.02453; gnomAD 0.03102 and 0.03338; TOPMed 0.03487; 1000 Genomes Project 0.03514; 1000 Genomes Project 30x 0.03701.
gnomAD v4.1: 9,982 of 1,596,030 alleles (0.63%); highest among the groups gnomAD compares: African/African-American, 11%; 471 homozygotes.

Submissions (2):

Illumina Laboratory Services, Illumina
Classification: Benign for Netherton syndrome. Last evaluated: 2018-01-13. Review status: criteria provided, single submitter. Criteria: ICSL Variant Classification Criteria 13 December 2019. Collection method: clinical testing. Allele origin: germline.
Comment: This variant was observed in the ICSL laboratory as part of a predisposition screen in an ostensibly healthy population. It had not been previously curated by ICSL or reported in the Human Gene Mutation Database (HGMD: prior to June 1st, 2018), and was therefore a candidate for classification through an automated scoring system. Utilizing variant allele frequency, disease prevalence and penetrance estimates, and inheritance mode, an automated score was calculated to assess if this variant is too frequent to cause the disease. Based on the score and internal cut-off values, a variant classified as benign is not then subjected to further curation. The score for this variant resulted in a classification of benign for this disease.

GeneDx
Classification: Benign. Last evaluated: 2015-03-03. Review status: criteria provided, single submitter. Criteria: GeneDx Variant Classification Process June 2021. Collection method: clinical testing. Allele origin: germline. Affected: yes.

NM_006846.4(SPINK5):c.*59C>T

Gene: SPINK5 (serine peptidase inhibitor Kazal type 5; plus strand). Cytogenetic location: 5q32.
Variant type: single nucleotide variant.
Coding change: c.*59C>T on transcript NM_006846.4 (MANE Select); 59 bases downstream of the stop codon, C replaced by T.
Molecular consequence: 3 prime UTR variant.
Genome position (GRCh38, 1-based): chr5:148,137,050, C>T. VCF-style: chr5-148137050-C-T. GRCh37 (hg19) VCF-style: chr5-147516613-C-T.
Other names: c.*59C>T (NM_001127698.2).
Identifiers: ClinVar variation 351547 (VCV000351547.7), dbSNP rs73794699, ClinGen allele CA10623231.